The following is an entry in ClinVar:

ClinVar aggregate classification (germline): Likely benign (1 of 4 stars; one submission).

Allele frequency attached by ClinVar (database versions not stated): 1000 Genomes Project 0.00060; 1000 Genomes Project 30x 0.00078; TOPMed 0.00126; gnomAD 0.00137; gnomAD exomes 0.00204.
gnomAD v4.1: 699 of 398,482 alleles (0.18%); highest among the groups gnomAD compares: Non-Finnish European, 0.26%; 3 homozygotes.

Submission:

CeGaT Center for Human Genetics Tuebingen
Classification: Likely benign. Last evaluated: 2026-08-01. Review status: criteria provided, single submitter. Criteria: CeGaT Center For Human Genetics Tuebingen Variant Classification Criteria Version 2. Collection method: clinical testing. Allele origin: germline. Affected: yes. Observed: 12 variant alleles.
Comment: KCNQ1OT1: BS2

NM_000218.3(KCNQ1):c.1394-32263T>C

Genes: KCNQ1 (potassium voltage-gated channel subfamily Q member 1; plus strand), KCNQ1OT1 (KCNQ1 opposite strand/antisense transcript 1; minus strand). Cytogenetic location: 11p15.5.
Variant type: single nucleotide variant.
Coding change: c.1394-32263T>C on transcript NM_000218.3 (MANE Select); 32263 bases into the intron before coding-DNA position 1394, T replaced by C.
Molecular consequence: intron variant. On other transcripts: non-coding transcript variant (1).
Genome position (GRCh38, 1-based): chr11:2,629,698, T>C. VCF-style: chr11-2629698-T-C. GRCh37 (hg19) VCF-style: chr11-2650928-T-C.
Other names: c.1124-32263T>C (NM_001406837.1); c.1298-32263T>C (NM_001406836.1); c.854-32263T>C (NM_001406838.1); c.1013-32263T>C (NM_181798.2).
Identifiers: ClinVar variation 2641401 (VCV002641401.24), dbSNP rs74574524, ClinGen allele CA216144173.